The following is an entry in ClinVar:

NM_000287.4(PEX6):c.1357del (p.Leu453fs)

Gene: PEX6 (peroxisomal biogenesis factor 6; minus strand). Cytogenetic location: 6p21.1.
Variant type: Deletion.
Coding change: c.1357del on transcript NM_000287.4 (MANE Select); coding-DNA position 1357, one base deleted (C; older notation c.1357delC).
Protein change: p.Leu453fs; shifts the reading frame from leucine 453.
Molecular consequence: frameshift variant. On other transcripts: non-coding transcript variant (1).
Genome position (GRCh38, 1-based): chr6:42,969,678, G deleted on the plus strand (C on the coding strand, the reverse complement: PEX6 is on the minus strand); the first of 2 consecutive G bases (chr6:42,969,678-42,969,679); deleting either gives the same sequence. VCF-style (leftmost placement, unchanged base first): chr6-42969677-AG-A. GRCh37 (hg19) VCF-style: chr6-42937415-AG-A.
Other names: c.1093del, p.Leu365fs (NM_001316313.2); short protein forms L365fs, L453fs.
Identifiers: ClinVar variation 1073363 (VCV001073363.9), dbSNP rs2114247385, ClinGen allele CA2499218300.

ClinVar aggregate classification (germline): Pathogenic (1 of 4 stars; one submission).

Conditions:
Peroxisome biogenesis disorder. Identifiers: Orphanet 79189, MedGen C1832200, MONDO:0019234. Disease mechanism: loss of function.

Submission:

Labcorp Genetics (formerly Invitae), Labcorp
Classification: Pathogenic for Peroxisome biogenesis disorder. Last evaluated: 2020-02-02. Review status: criteria provided, single submitter. Criteria: Invitae Variant Classification Sherloc (09022015). Collection method: clinical testing. Allele origin: germline.
Comment: For these reasons, this variant has been classified as Pathogenic. Loss-of-function variants in PEX6 are known to be pathogenic (PMID: 8670792, 19877282, 21031596). This variant has not been reported in the literature in individuals with PEX6-related conditions. This variant is not present in population databases (ExAC no frequency). This sequence change creates a premature translational stop signal (p.Leu453Serfs*8) in the PEX6 gene. It is expected to result in an absent or disrupted protein product.

Literature cited by the submitters: PubMed 8670792; PubMed 19877282; PubMed 21031596.